The following is an entry in ClinVar:

ClinVar aggregate classification (germline): Likely pathogenic (1 of 4 stars; one submission).

Conditions:
Genitopatellar syndrome (GTPTS). Also called: Genitopatellar syndrome (GPS); ABSENT PATELLAE, SCROTAL HYPOPLASIA, RENAL ANOMALIES, FACIAL DYSMORPHISM, AND MENTAL RETARDATION. Identifiers: Orphanet 85201, MedGen C1853566, MONDO:0011640, OMIM 606170.

Submission:

Baylor Genetics
Classification: Likely pathogenic for Genitopatellar syndrome. Last evaluated: 2018-07-19. Review status: criteria provided, single submitter. Criteria: ACMG Guidelines, 2015. Collection method: clinical testing. Allele origin: de novo. Affected: yes.
Comment: This variant was determined to be likely pathogenic according to ACMG Guidelines, 2015 [PMID:25741868].

NM_012330.4(KAT6B):c.1238T>C (p.Ile413Thr)

Gene: KAT6B (lysine acetyltransferase 6B; plus strand). Cytogenetic location: 10q22.2.
Variant type: single nucleotide variant.
Coding change: c.1238T>C on transcript NM_012330.4 (MANE Select); coding-DNA position 1238, T replaced by C.
Protein change: p.Ile413Thr; replaces isoleucine 413 with threonine.
Molecular consequence: missense variant. On other transcripts: intron variant (11).
Genome position (GRCh38, 1-based): chr10:74,975,575, T>C. VCF-style: chr10-74975575-T-C. GRCh37 (hg19) VCF-style: chr10-76735333-T-C.
Other names: c.1238T>C, p.Ile413Thr (NM_001256468.2, NM_001370136.1, NM_001370137.1 and 1 more transcripts); c.1117+121T>C (NM_001370139.1, NM_001370140.1, NM_001370141.1 and 3 more transcripts); c.846+5800T>C (NM_001370133.1); c.193-3649T>C (NM_001370134.1); c.929-1741T>C (NM_001370143.1, NM_001370144.1); c.193-13444T>C (NM_001370135.1); short protein forms I413T.
Identifiers: ClinVar variation 1033225 (VCV001033225.1), dbSNP rs1842099343, ClinGen allele CA377285420.
Genomic context (GRCh38, chr10:74,975,575, plus strand): 5'-AGGACTCAAGCAGCAGATTGGCTGTTACAGACCCCACTCGGCCTGGTGCCACCACCAAAA[T>C]CACCACCACCTCCACCTACATTTCTGCCTCTACACTTAAAGTTAACAAGAAAACCAAAGG-3'
Protein context (NP_036462.2, residues 403-423): DPTRPGATTK[Ile413Thr]TTTSTYISAS